The following is an entry in ClinVar:

NM_001205293.3(CACNA1E):c.2436C>A (p.Asn812Lys)

Gene: CACNA1E (calcium voltage-gated channel subunit alpha1 E; plus strand). Cytogenetic location: 1q25.3.
Variant type: single nucleotide variant.
Coding change: c.2436C>A on transcript NM_001205293.3 (MANE Select); coding-DNA position 2436, C replaced by A.
Protein change: p.Asn812Lys; replaces asparagine 812 with lysine.
Molecular consequence: missense variant.
Genome position (GRCh38, 1-based): chr1:181,732,522, C>A. VCF-style: chr1-181732522-C-A. GRCh37 (hg19) VCF-style: chr1-181701658-C-A.
Other names: c.2436C>A, p.Asn812Lys (NM_000721.4); c.2379C>A, p.Asn793Lys (NM_001205294.2); short protein forms N793K, N812K.
Identifiers: ClinVar variation 1443961 (VCV001443961.6), dbSNP rs987945204, ClinGen allele CA343617345.

ClinVar aggregate classification (germline): Uncertain significance (1 of 4 stars; one submission).

Submission:

Labcorp Genetics (formerly Invitae), Labcorp
Classification: Uncertain significance. Last evaluated: 2021-11-12. Review status: criteria provided, single submitter. Criteria: Invitae Variant Classification Sherloc (09022015). Collection method: clinical testing. Allele origin: germline.
Comment: This variant is not present in population databases (gnomAD no frequency). This variant has not been reported in the literature in individuals affected with CACNA1E-related conditions. Advanced modeling of protein sequence and biophysical properties (such as structural, functional, and spatial information, amino acid conservation, physicochemical variation, residue mobility, and thermodynamic stability) performed at Invitae indicates that this missense variant is not expected to disrupt CACNA1E protein function. In summary, the available evidence is currently insufficient to determine the role of this variant in disease. Therefore, it has been classified as a Variant of Uncertain Significance. This sequence change replaces asparagine, which is neutral and polar, with lysine, which is basic and polar, at codon 812 of the CACNA1E protein (p.Asn812Lys).